The following is an entry in ClinVar:

NM_000293.3(PHKB):c.2427+964del

Gene: PHKB (phosphorylase kinase regulatory subunit beta; plus strand). Cytogenetic location: 16q12.1.
Variant type: Deletion.
Coding change: c.2427+964del on transcript NM_000293.3 (MANE Select); 964 bases into the intron after coding-DNA position 2427, one base deleted (C; older notation c.2427+964delC).
Molecular consequence: intron variant.
Genome position (GRCh38, 1-based): chr16:47,665,939, C deleted; the last of 5 consecutive C bases (chr16:47,665,935-47,665,939); deleting any one gives the same sequence. VCF-style (leftmost placement, unchanged base first): chr16-47665934-GC-G. GRCh37 (hg19) VCF-style: chr16-47699845-GC-G.
Other names: c.2316-3delC (NM_001031835.2); c.2337-3del (NM_001363837.1); c.2316-3del (NM_001031835.3).
Identifiers: ClinVar variation 516791 (VCV000516791.13), dbSNP rs762091938, ClinGen allele CA8041209.
Genomic context (GRCh38, chr16:47,665,934, plus strand): 5'-CAGGGCCCCATGCATTCCTCATCTTTTAGATTTGTGAACATCTGGCCTGCTCTCTTCTTT[GC>G]CCCCAGGTCGGTTGTACGCCGTGCAGCAAGTCTTTTAAGTAAAGTAGTGGACAGCCTGGC-3'

ClinVar aggregate classification (germline): Likely benign. Review status: criteria provided, multiple submitters, no conflicts (2 of 4 stars). 4 submissions from 4 submitters: Likely benign (3). 1 of the submissions does not count toward it. Last evaluated 2026-01-30.

Conditions:
PHKB-related disorder. Also called: PHKB-related condition.
Glycogen storage disease IXb (GSD9B). Also called: PHOSPHORYLASE KINASE DEFICIENCY OF LIVER AND MUSCLE, AUTOSOMAL RECESSIVE; GLYCOGENOSIS OF LIVER AND MUSCLE, AUTOSOMAL RECESSIVE; GSD IXb. Identifiers: Orphanet 79240, MedGen C0543514, MONDO:0009868, OMIM 261750.

Submissions (4):

Labcorp Genetics (formerly Invitae), Labcorp
Classification: Likely benign for Glycogen storage disease IXb. Last evaluated: 2026-01-30. Review status: criteria provided, single submitter. Criteria: Invitae Variant Classification Sherloc (09022015). Collection method: clinical testing. Allele origin: germline.

Blueprint Genetics
Classification: Likely benign. Last evaluated: 2024-11-22. Review status: criteria provided, single submitter. Criteria: ACMG Guidelines, 2015. Collection method: clinical testing. Allele origin: germline.

GeneDx
Classification: Likely benign. Last evaluated: 2018-04-26. Review status: criteria provided, single submitter. Criteria: GeneDx Variant Classification Process June 2021. Collection method: clinical testing. Allele origin: germline. Affected: yes.

PreventionGenetics, part of Exact Sciences
Classification: Likely benign for PHKB-related condition. Last evaluated: 2020-11-17. Review status: no assertion criteria provided. Collection method: clinical testing. Allele origin: germline. Not counted in ClinVar's aggregate classification.
Comment: This variant is classified as likely benign based on ACMG/AMP sequence variant interpretation guidelines (Richards et al. 2015 PMID: 25741868, with internal and published modifications).